The following is an entry in ClinVar:

ClinVar aggregate classification (germline): Uncertain significance (1 of 4 stars; one submission).

Conditions:
Cardiovascular phenotype. Identifiers: MedGen CN230736.

Submission:

Molecular Diagnostic Laboratory for Inherited Cardiovascular Disease, Montreal Heart Institute
Classification: Uncertain significance for Cardiovascular phenotype. Last evaluated: 2025-04-09. Review status: criteria provided, single submitter. Criteria: ACMG Guidelines, 2015. Collection method: clinical testing. Allele origin: germline. Affected: yes.
Comment: PM2, PP2, BP4

NM_002880.4(RAF1):c.718T>C (p.Phe240Leu)

Gene: RAF1 (Raf-1 proto-oncogene, serine/threonine kinase; minus strand). Cytogenetic location: 3p25.2.
Variant type: single nucleotide variant.
Coding change: c.718T>C on transcript NM_002880.4 (MANE Select); coding-DNA position 718, T replaced by C.
Protein change: p.Phe240Leu; replaces phenylalanine 240 with leucine.
Molecular consequence: missense variant. On other transcripts: non-coding transcript variant (3).
Genome position (GRCh38, 1-based): chr3:12,604,252, A>G on the plus strand (T>C on the coding strand, the complement: RAF1 is on the minus strand). VCF-style: chr3-12604252-A-G. GRCh37 (hg19) VCF-style: chr3-12645751-A-G.
Other names: c.718T>C, p.Phe240Leu (NM_001354689.3, NM_001354690.3); c.475T>C, p.Phe159Leu (NM_001354691.3, NM_001354692.3, NM_001354694.3); c.619T>C, p.Phe207Leu (NM_001354693.3); c.376T>C, p.Phe126Leu (NM_001354695.3); short protein forms F126L, F159L, F207L, F240L.
Identifiers: ClinVar variation 3895382 (VCV003895382.1).